The following is an entry in ClinVar:

NM_006147.4(IRF6):c.902G>T (p.Gly301Val)

Gene: IRF6 (interferon regulatory factor 6; minus strand). Cytogenetic location: 1q32.2.
Variant type: single nucleotide variant.
Coding change: c.902G>T on transcript NM_006147.4 (MANE Select); coding-DNA position 902, G replaced by T.
Protein change: p.Gly301Val; replaces glycine 301 with valine.
Molecular consequence: missense variant.
Genome position (GRCh38, 1-based): chr1:209,790,653, C>A on the plus strand (G>T on the coding strand, the complement: IRF6 is on the minus strand). VCF-style: chr1-209790653-C-A. GRCh37 (hg19) VCF-style: chr1-209963998-C-A.
Other names: c.617G>T, p.Gly206Val (NM_001206696.2); short protein forms G206V, G301V.
Identifiers: ClinVar variation 2501930 (VCV002501930.1), dbSNP rs2464670479, ClinGen allele CA344576069.

ClinVar aggregate classification (germline): Uncertain significance (1 of 4 stars; one submission).

Submission:

GeneDx
Classification: Uncertain significance. Last evaluated: 2022-11-15. Review status: criteria provided, single submitter. Criteria: GeneDx Variant Classification Process June 2021. Collection method: clinical testing. Allele origin: germline. Affected: yes.
Comment: Has not been previously published as pathogenic or benign to our knowledge; Not observed at significant frequency in large population cohorts (gnomAD); In silico analysis supports that this missense variant has a deleterious effect on protein structure/function